The following is an entry in ClinVar:

NM_003622.4(PPFIBP1):c.471+12G>C

Gene: PPFIBP1 (PPFIB scaffold protein 1; plus strand). Cytogenetic location: 12p11.22.
Variant type: single nucleotide variant.
Coding change: c.471+12G>C on transcript NM_003622.4 (MANE Select); 12 bases into the intron after coding-DNA position 471, G replaced by C.
Molecular consequence: intron variant.
Genome position (GRCh38, 1-based): chr12:27,647,854, G>C. VCF-style: chr12-27647854-G-C. GRCh37 (hg19) VCF-style: chr12-27800787-G-C.
Other names: c.471+12G>C (NM_177444.3, NM_001198916.2); c.12+12G>C (NM_001198915.2).
Identifiers: ClinVar variation 3388297 (VCV003388297.15).

ClinVar aggregate classification (germline): Likely benign. Review status: criteria provided, multiple submitters, no conflicts (2 of 4 stars). 2 submissions from 2 submitters: Likely benign (2). Last evaluated 2026-07-01.

gnomAD v4.1: 2,141 of 1,601,324 alleles (0.13%); highest among the groups gnomAD compares: Non-Finnish European, 0.13%; 7 homozygotes.

Submissions (2):

CeGaT Center for Human Genetics Tuebingen
Classification: Likely benign. Last evaluated: 2026-07-01. Review status: criteria provided, single submitter. Criteria: CeGaT Center For Human Genetics Tuebingen Variant Classification Criteria Version 2. Collection method: clinical testing. Allele origin: germline. Affected: yes. Observed: 4 variant alleles.
Comment: PPFIBP1: BP4

Blueprint Genetics
Classification: Likely benign. Last evaluated: 2024-11-25. Review status: criteria provided, single submitter. Criteria: ACMG Guidelines, 2015. Collection method: clinical testing. Allele origin: germline.